The following is an entry in ClinVar:

ClinVar aggregate classification (germline): Uncertain significance. Review status: criteria provided, multiple submitters, no conflicts (2 of 4 stars). 3 submissions from 3 submitters: Uncertain significance (3). Last evaluated 2024-12-07.

Conditions:
Autosomal recessive severe congenital neutropenia due to G6PC3 deficiency. Also called: NEUTROPENIA, SEVERE CONGENITAL, 4, AUTOSOMAL RECESSIVE; G6PC3 Deficiency. Identifiers: Orphanet 331176, MedGen C2751630, MONDO:0012930, OMIM 612541.
Inborn genetic diseases. Identifiers: MedGen C0950123, MeSH D030342.

Submissions (3):

Ambry Genetics
Classification: Uncertain significance for Inborn genetic diseases. Last evaluated: 2024-12-07. Review status: criteria provided, single submitter. Criteria: Ambry Variant Classification Scheme 2023. Collection method: clinical testing. Allele origin: germline.
Comment: The p.P304S variant (also known as c.910C>T), located in coding exon 6 of the G6PC3 gene, results from a C to T substitution at nucleotide position 910. The proline at codon 304 is replaced by serine, an amino acid with similar properties. This amino acid position is conserved. In addition, this alteration is predicted to be tolerated by in silico analysis. Based on the available evidence, the clinical significance of this variant remains unclear.

Labcorp Genetics (formerly Invitae), Labcorp
Classification: Uncertain significance for Autosomal recessive severe congenital neutropenia due to G6PC3 deficiency. Last evaluated: 2021-08-28. Review status: criteria provided, single submitter. Criteria: Invitae Variant Classification Sherloc (09022015). Collection method: clinical testing. Allele origin: germline.
Comment: This sequence change replaces proline with serine at codon 304 of the G6PC3 protein (p.Pro304Ser). The proline residue is weakly conserved and there is a moderate physicochemical difference between proline and serine. This variant is not present in population databases (ExAC no frequency). This variant has not been reported in the literature in individuals affected with G6PC3-related conditions. Algorithms developed to predict the effect of missense changes on protein structure and function (SIFT, PolyPhen-2, Align-GVGD) all suggest that this variant is likely to be tolerated. In summary, the available evidence is currently insufficient to determine the role of this variant in disease. Therefore, it has been classified as a Variant of Uncertain Significance.

Blueprint Genetics
Classification: Uncertain significance. Last evaluated: 2020-10-13. Review status: criteria provided, single submitter. Criteria: ACMG Guidelines, 2015. Collection method: clinical testing. Allele origin: germline.

NM_138387.4(G6PC3):c.910C>T (p.Pro304Ser)

Gene: G6PC3 (glucose-6-phosphatase catalytic subunit 3; plus strand). Cytogenetic location: 17q21.31.
Variant type: single nucleotide variant.
Coding change: c.910C>T on transcript NM_138387.4 (MANE Select); coding-DNA position 910, C replaced by T.
Protein change: p.Pro304Ser; replaces proline 304 with serine.
Molecular consequence: missense variant. On other transcripts: 3 prime UTR variant (1).
Genome position (GRCh38, 1-based): chr17:44,075,912, C>T. VCF-style: chr17-44075912-C-T. GRCh37 (hg19) VCF-style: chr17-42153280-C-T.
Other names: c.*203C>T (NM_001319945.2); c.565C>T, p.Pro189Ser (NM_001384165.1, NM_001384166.1, NM_001384167.1 and 1 more transcripts); c.910C>T (NM_138387.3); short protein forms P304S, P189S.
Identifiers: ClinVar variation 1385278 (VCV001385278.7), dbSNP rs1314910205, ClinGen allele CA399729567.